The following is an entry in ClinVar:

ClinVar aggregate classification (germline): Uncertain significance. Review status: criteria provided, multiple submitters, no conflicts (2 of 4 stars). 6 submissions from 6 submitters: Uncertain significance (6). Last evaluated 2025-06-22.

Conditions:
Fanconi anemia complementation group N. Also called: PALB2-Related Fanconi Anemia. Identifiers: Orphanet 84, MedGen C1835817, MONDO:0012565, OMIM 610832. Disease mechanism: loss of function.
Breast-ovarian cancer, familial, susceptibility to, 5 (BROVCA5). Identifiers: MedGen C5830615, MONDO:0957530, OMIM 620442.
Pancreatic cancer, susceptibility to, 3. Identifiers: Orphanet 1333, MedGen C3150547, MONDO:0013236, OMIM 613348.
Familial cancer of breast. Also called: Hereditary breast cancer; BREAST CANCER, FAMILIAL; hereditary breast carcinoma. Identifiers: Orphanet 227535, MedGen C0346153, MONDO:0016419, OMIM 114480. Disease mechanism: loss of function.
Hereditary cancer-predisposing syndrome. Also called: Neoplastic Syndromes, Hereditary; Tumor predisposition; Hereditary Cancer Syndrome; Hereditary neoplastic syndrome. Identifiers: Orphanet 140162, MedGen C0027672, MeSH D009386, MONDO:0015356.

Allele frequency attached by ClinVar (database versions not stated): gnomAD exomes below 0.00001.
gnomAD v4.1: 2 of 1,614,154 alleles (0.00012%); highest among the groups gnomAD compares: South Asian, 0.0022%; no homozygotes.

Submissions (6):

Labcorp Genetics (formerly Invitae), Labcorp
Classification: Uncertain significance for Familial cancer of breast. Last evaluated: 2025-06-22. Review status: criteria provided, single submitter. Criteria: Invitae Variant Classification Sherloc (09022015). Collection method: clinical testing. Allele origin: germline.
Comment: This sequence change replaces phenylalanine, which is neutral and non-polar, with leucine, which is neutral and non-polar, at codon 1016 of the PALB2 protein (p.Phe1016Leu). This variant is not present in population databases (gnomAD no frequency). This variant has not been reported in the literature in individuals affected with PALB2-related conditions. ClinVar contains an entry for this variant (Variation ID: 560875). Invitae Evidence Modeling of protein sequence and biophysical properties (such as structural, functional, and spatial information, amino acid conservation, physicochemical variation, residue mobility, and thermodynamic stability) indicates that this missense variant is not expected to disrupt PALB2 protein function with a negative predictive value of 80%. In summary, the available evidence is currently insufficient to determine the role of this variant in disease. Therefore, it has been classified as a Variant of Uncertain Significance.

GeneDx
Classification: Uncertain significance. Last evaluated: 2025-05-04. Review status: criteria provided, single submitter. Criteria: GeneDx Variant Classification Process June 2021. Collection method: clinical testing. Allele origin: germline. Affected: yes.
Comment: Not observed at significant frequency in large population cohorts (gnomAD); In silico analysis supports that this missense variant has a deleterious effect on protein structure/function; Has not been previously published as pathogenic or benign to our knowledge; This variant is associated with the following publications: (PMID: 24485656, 19609323, 20871615)

Ambry Genetics
Classification: Uncertain significance for Hereditary cancer-predisposing syndrome. Last evaluated: 2024-12-19. Review status: criteria provided, single submitter. Criteria: Ambry Variant Classification Scheme 2023. Collection method: clinical testing. Allele origin: germline.
Comment: The p.F1016L variant (also known as c.3048T>G), located in coding exon 10 of the PALB2 gene, results from a T to G substitution at nucleotide position 3048. The phenylalanine at codon 1016 is replaced by leucine, an amino acid with highly similar properties. This amino acid position is highly conserved in available vertebrate species. In addition, this alteration is predicted to be tolerated by in silico analysis. Since supporting evidence is limited at this time, the clinical significance of this alteration remains unclear.

Fulgent Genetics
Classification: Uncertain significance for Fanconi anemia complementation group N; Pancreatic cancer, susceptibility to, 3; Breast-ovarian cancer, familial, susceptibility to, 5. Last evaluated: 2024-03-18. Review status: criteria provided, single submitter. Criteria: ACMG Guidelines, 2015. Collection method: clinical testing. Allele origin: germline.

Department of Pathology and Laboratory Medicine, Sinai Health System
Classification: Uncertain significance for Breast-ovarian cancer, familial, susceptibility to, 5. Last evaluated: 2021-02-03. Review status: criteria provided, single submitter. Criteria: ACMG Guidelines, 2015. Collection method: clinical testing. Allele origin: germline. Affected: yes.

PreventionGenetics, part of Exact Sciences
Classification: Uncertain significance. Last evaluated: 2017-11-10. Review status: criteria provided, single submitter. Criteria: ACMG Guidelines, 2015. Collection method: clinical testing. Allele origin: germline.

NM_024675.4(PALB2):c.3048T>G (p.Phe1016Leu)

Gene: PALB2 (partner and localizer of BRCA2; minus strand). Cytogenetic location: 16p12.2.
Variant type: single nucleotide variant.
Coding change: c.3048T>G on transcript NM_024675.4 (MANE Select); coding-DNA position 3048, T replaced by G.
Protein change: p.Phe1016Leu; replaces phenylalanine 1016 with leucine.
Molecular consequence: missense variant.
Genome position (GRCh38, 1-based): chr16:23,621,427, A>C on the plus strand (T>G on the coding strand, the complement: PALB2 is on the minus strand). VCF-style: chr16-23621427-A-C. GRCh37 (hg19) VCF-style: chr16-23632748-A-C.
Other names: short protein forms F1016L.
Identifiers: ClinVar variation 560875 (VCV000560875.17), dbSNP rs1567212918, ClinGen allele CA395143034.